The following is an entry in ClinVar:

ClinVar aggregate classification (germline): Uncertain significance (1 of 4 stars; one submission).

Conditions:
Hyperaldosteronism, familial, type IV (HALD4). Also called: FH IV; ALDOSTERONISM, PRIMARY, AND HYPERTENSION. Identifiers: Orphanet 642671, MedGen C4310756, MONDO:0014875, OMIM 617027.
Idiopathic generalized epilepsy. Also called: EIG; Generalised epilepsy. Identifiers: MedGen C0270850, MONDO:0005579, OMIM 600669.

gnomAD v4.1: 3 of 1,548,972 alleles (0.00019%); highest among the groups gnomAD compares: Non-Finnish European, 0.00026%; no homozygotes.

Submission:

Labcorp Genetics (formerly Invitae), Labcorp
Classification: Uncertain significance for Idiopathic generalized epilepsy; Hyperaldosteronism, familial, type IV. Last evaluated: 2021-12-30. Review status: criteria provided, single submitter. Criteria: Invitae Variant Classification Sherloc (09022015). Collection method: clinical testing. Allele origin: germline.
Comment: In summary, the available evidence is currently insufficient to determine the role of this variant in disease. Therefore, it has been classified as a Variant of Uncertain Significance. Advanced modeling of protein sequence and biophysical properties (such as structural, functional, and spatial information, amino acid conservation, physicochemical variation, residue mobility, and thermodynamic stability) performed at Invitae indicates that this missense variant is not expected to disrupt CACNA1H protein function. This variant has not been reported in the literature in individuals affected with CACNA1H-related conditions. This variant is not present in population databases (gnomAD no frequency). This sequence change replaces arginine, which is basic and polar, with glycine, which is neutral and non-polar, at codon 2001 of the CACNA1H protein (p.Arg2001Gly).

NM_021098.3(CACNA1H):c.6001C>G (p.Arg2001Gly)

Gene: CACNA1H (calcium voltage-gated channel subunit alpha1 H; plus strand). Cytogenetic location: 16p13.3.
Variant type: single nucleotide variant.
Coding change: c.6001C>G on transcript NM_021098.3 (MANE Select); coding-DNA position 6001, C replaced by G.
Protein change: p.Arg2001Gly; replaces arginine 2001 with glycine.
Molecular consequence: missense variant.
Genome position (GRCh38, 1-based): chr16:1,219,083, C>G. VCF-style: chr16-1219083-C-G. GRCh37 (hg19) VCF-style: chr16-1269083-C-G.
Other names: c.5983C>G, p.Arg1995Gly (NM_001005407.2); short protein forms R1995G, R2001G.
Identifiers: ClinVar variation 2160905 (VCV002160905.4), dbSNP rs763114755, ClinGen allele CA394148444.